The following is an entry in ClinVar:

NM_001035.3(RYR2):c.1170+11A>T

Gene: RYR2 (ryanodine receptor 2; plus strand). Cytogenetic location: 1q43.
Variant type: single nucleotide variant.
Coding change: c.1170+11A>T on transcript NM_001035.3 (MANE Select); 11 bases into the intron after coding-DNA position 1170, A replaced by T.
Molecular consequence: intron variant.
Genome position (GRCh38, 1-based): chr1:237,441,494, A>T. VCF-style: chr1-237441494-A-T. GRCh37 (hg19) VCF-style: chr1-237604794-A-T.
Other names: c.1170+11A>T (LRG_402t1).
Identifiers: ClinVar variation 384112 (VCV000384112.1), dbSNP rs1057521861, ClinGen allele CA16603626.

ClinVar aggregate classification (germline): Likely benign (1 of 4 stars; one submission).

Submission:

GeneDx
Classification: Likely benign. Last evaluated: 2016-02-23. Review status: criteria provided, single submitter. Criteria: GeneDx Variant Classification (06012015). Collection method: clinical testing. Allele origin: germline. Affected: yes.
Comment: This variant is considered likely benign or benign based on one or more of the following criteria: it is a conservative change, it occurs at a poorly conserved position in the protein, it is predicted to be benign by multiple in silico algorithms, and/or has population frequency not consistent with disease.